The following is an entry in ClinVar:

NM_004656.4(BAP1):c.1573_1584del (p.Ser525_Ser528del)

Gene: BAP1 (BRCA1 associated deubiquitinase 1; minus strand). Cytogenetic location: 3p21.1.
Variant type: Deletion.
Coding change: c.1573_1584del on transcript NM_004656.4 (MANE Select); coding-DNA positions 1573 to 1584, 12 bases deleted (TCCCACATCTCC).
Protein change: p.Ser525_Ser528del.
Molecular consequence: inframe deletion.
Genome position (GRCh38, 1-based): chr3:52,403,561-52,403,572, GGAGATGTGGGA deleted on the plus strand (TCCCACATCTCC on the coding strand, the reverse complement: BAP1 is on the minus strand); deleting any 12 consecutive bases within chr3:52,403,561-52,403,574 gives the same sequence; the c. name uses the placement nearest the transcript's 3' end. VCF-style (leftmost placement, unchanged base first): chr3-52403560-TGGAGATGTGGGA-T. GRCh37 (hg19) VCF-style: chr3-52437576-TGGAGATGTGGGA-T.
Other names: c.1573_1584del (NM_004656.3); c.1573_1584del12 (NM_004656.2).
Identifiers: ClinVar variation 1008773 (VCV001008773.7), dbSNP rs1705042188, ClinGen allele CA1364836583.
Genomic context (GRCh38, chr3:52,403,560, plus strand): 5'-CACGGTTGTAGCGTATGCAGTCAACACGCAGCAGGCTGTCATCCTCTCCAAAAAGCACCT[TGGAGATGTGGGA>T]GGTGACAGGGCTGGAGGGCCGCGTCGGGTTGGCTGAGCGGATAGGCGAGCGCAGTGGCGA-3'

ClinVar aggregate classification (germline): Uncertain significance. Review status: criteria provided, multiple submitters, no conflicts (2 of 4 stars). 3 submissions from 3 submitters: Uncertain significance (3). Last evaluated 2025-10-20.

Conditions:
BAP1-related tumor predisposition syndrome (TPDS1). Also called: Tumor susceptibility linked to germline BAP1 mutations; COMMON Syndrome; TUMOR PREDISPOSITION SYNDROME 1; BAP1 tumor predisposition syndrome. Identifiers: Orphanet 289539, MedGen C3280492, MONDO:0013692, OMIM 614327.
Hereditary cancer-predisposing syndrome. Also called: Tumor predisposition; Hereditary neoplastic syndrome; Neoplastic Syndromes, Hereditary; Hereditary Cancer Syndrome. Identifiers: Orphanet 140162, MedGen C0027672, MeSH D009386, MONDO:0015356.

Submissions (3):

Ambry Genetics
Classification: Uncertain significance for Hereditary cancer-predisposing syndrome. Last evaluated: 2025-10-20. Review status: criteria provided, single submitter. Criteria: Ambry Variant Classification Scheme 2023. Collection method: clinical testing. Allele origin: germline.
Comment: The c.1573_1584del12 variant (also known as p.S525_S528del) is located in coding exon 13 of the BAP1 gene. This variant results from an in-frame TCCCACATCTCC deletion at nucleotide positions 1573 to 1584. This results in the in-frame deletion of 4 residues (SHIS) between codons 525 and 528. This amino acid region is well conserved in available vertebrate species. In addition, the in silico prediction for this variant is inconclusive (Choi Y et al. PLoS ONE. 2012; 7(10):e46688). Based on the available evidence, the clinical significance of this variant remains unclear.

Labcorp Genetics (formerly Invitae), Labcorp
Classification: Uncertain significance for BAP1-related tumor predisposition syndrome. Last evaluated: 2025-09-13. Review status: criteria provided, single submitter. Criteria: Invitae Variant Classification Sherloc (09022015). Collection method: clinical testing. Allele origin: germline.
Comment: This variant, c.1573_1584del, results in the deletion of 4 amino acid(s) of the BAP1 protein (p.Ser525_Ser528del), but otherwise preserves the integrity of the reading frame. This variant is not present in population databases (gnomAD no frequency). This variant has not been reported in the literature in individuals affected with BAP1-related conditions. ClinVar contains an entry for this variant (Variation ID: 1008773). Experimental studies and prediction algorithms are not available or were not evaluated, and the functional significance of this variant is currently unknown. In summary, the available evidence is currently insufficient to determine the role of this variant in disease. Therefore, it has been classified as a Variant of Uncertain Significance.

Quest Diagnostics Nichols Institute San Juan Capistrano
Classification: Uncertain significance. Last evaluated: 2025-07-15. Review status: criteria provided, single submitter. Criteria: Quest Diagnostics criteria. Collection method: clinical testing. Allele origin: unknown.
Comment: The BAP1 c.1573_1584del (p.Ser525_Ser528del) variant has not been reported in individuals with BAP1-related conditions in the published literature. It also has not been reported in large, multi-ethnic general populations (Genome Aggregation Database). Based on the available information, we are unable to determine the clinical significance of this variant.